The following is an entry in ClinVar:

ClinVar aggregate classification (germline): Uncertain significance (1 of 4 stars; one submission).

Allele frequency attached by ClinVar (database versions not stated): gnomAD exomes below 0.00001.
gnomAD v4.1: 6 of 1,610,988 alleles (0.00037%); highest among the groups gnomAD compares: Non-Finnish European, 0.00042%; no homozygotes.

Submission:

Labcorp Genetics (formerly Invitae), Labcorp
Classification: Uncertain significance. Last evaluated: 2022-03-10. Review status: criteria provided, single submitter. Criteria: Invitae Variant Classification Sherloc (09022015). Collection method: clinical testing. Allele origin: germline.
Comment: This sequence change replaces tyrosine, which is neutral and polar, with histidine, which is basic and polar, at codon 3280 of the ADGRV1 protein (p.Tyr3280His). This variant is present in population databases (rs748350702, gnomAD 0.01%). This variant has not been reported in the literature in individuals affected with ADGRV1-related conditions. Algorithms developed to predict the effect of missense changes on protein structure and function output the following: SIFT: "Deleterious"; PolyPhen-2: "Possibly Damaging"; Align-GVGD: "Class C0". The histidine amino acid residue is found in multiple mammalian species, which suggests that this missense change does not adversely affect protein function. In summary, the available evidence is currently insufficient to determine the role of this variant in disease. Therefore, it has been classified as a Variant of Uncertain Significance.

NM_032119.4(ADGRV1):c.9838T>C (p.Tyr3280His)

Gene: ADGRV1 (adhesion G protein-coupled receptor V1; plus strand). Cytogenetic location: 5q14.3.
Variant type: single nucleotide variant.
Coding change: c.9838T>C on transcript NM_032119.4 (MANE Select); coding-DNA position 9838, T replaced by C.
Protein change: p.Tyr3280His; replaces tyrosine 3280 with histidine.
Molecular consequence: missense variant. On other transcripts: non-coding transcript variant (1).
Genome position (GRCh38, 1-based): chr5:90,724,921, T>C. VCF-style: chr5-90724921-T-C. GRCh37 (hg19) VCF-style: chr5-90020738-T-C.
Other names: short protein forms Y3280H.
Identifiers: ClinVar variation 1503665 (VCV001503665.5), dbSNP rs748350702, ClinGen allele CA3340604.